The following is an entry in ClinVar:

NM_001142800.2(EYS):c.170G>A (p.Cys57Tyr)

Gene: EYS (EGF-like photoreceptor maintenance factor; minus strand). Cytogenetic location: 6q12.
Variant type: single nucleotide variant.
Coding change: c.170G>A on transcript NM_001142800.2 (MANE Select); coding-DNA position 170, G replaced by A.
Protein change: p.Cys57Tyr; replaces cysteine 57 with tyrosine.
Molecular consequence: missense variant.
Genome position (GRCh38, 1-based): chr6:65,495,241, C>T on the plus strand (G>A on the coding strand, the complement: EYS is on the minus strand). VCF-style: chr6-65495241-C-T. GRCh37 (hg19) VCF-style: chr6-66205134-C-T.
Other names: c.170G>A, p.Cys57Tyr (NM_001142801.2, NM_001292009.2, NM_198283.2); short protein forms C57Y.
Identifiers: ClinVar variation 1348393 (VCV001348393.8), dbSNP rs1435232958, ClinGen allele CA364790494.

ClinVar aggregate classification (germline): Uncertain significance (1 of 4 stars; one submission).

Submission:

Labcorp Genetics (formerly Invitae), Labcorp
Classification: Uncertain significance. Last evaluated: 2020-11-20. Review status: criteria provided, single submitter. Criteria: Invitae Variant Classification Sherloc (09022015). Collection method: clinical testing. Allele origin: germline.
Comment: This variant has not been reported in the literature in individuals with EYS-related conditions. This sequence change replaces cysteine with tyrosine at codon 57 of the EYS protein (p.Cys57Tyr). The cysteine residue is moderately conserved and there is a large physicochemical difference between cysteine and tyrosine. This variant is not present in population databases (ExAC no frequency). Algorithms developed to predict the effect of missense changes on protein structure and function are either unavailable or do not agree on the potential impact of this missense change (SIFT: "Tolerated"; PolyPhen-2: "Probably Damaging"; Align-GVGD: "Class C0"). In summary, the available evidence is currently insufficient to determine the role of this variant in disease. Therefore, it has been classified as a Variant of Uncertain Significance.